The following is an entry in ClinVar:

ClinVar aggregate classification (germline): Uncertain significance (1 of 4 stars; one submission).

Submission:

Labcorp Genetics (formerly Invitae), Labcorp
Classification: Uncertain significance. Last evaluated: 2024-02-05. Review status: criteria provided, single submitter. Criteria: Invitae Variant Classification Sherloc (09022015). Collection method: clinical testing. Allele origin: germline.
Comment: This sequence change replaces valine, which is neutral and non-polar, with isoleucine, which is neutral and non-polar, at codon 451 of the RHOBTB2 protein (p.Val451Ile). This variant is not present in population databases (gnomAD no frequency). This variant has not been reported in the literature in individuals affected with RHOBTB2-related conditions. Advanced modeling of protein sequence and biophysical properties (such as structural, functional, and spatial information, amino acid conservation, physicochemical variation, residue mobility, and thermodynamic stability) performed at Invitae indicates that this missense variant is not expected to disrupt RHOBTB2 protein function with a negative predictive value of 80%. In summary, the available evidence is currently insufficient to determine the role of this variant in disease. Therefore, it has been classified as a Variant of Uncertain Significance.

NM_015178.3(RHOBTB2):c.1285G>A (p.Val429Ile)

Gene: RHOBTB2 (Rho related BTB domain containing 2; plus strand). Cytogenetic location: 8p21.3.
Variant type: single nucleotide variant.
Coding change: c.1285G>A on transcript NM_015178.3 (MANE Select); coding-DNA position 1285, G replaced by A.
Protein change: p.Val429Ile; replaces valine 429 with isoleucine.
Molecular consequence: missense variant.
Genome position (GRCh38, 1-based): chr8:23,007,530, G>A. VCF-style: chr8-23007530-G-A. GRCh37 (hg19) VCF-style: chr8-22865043-G-A.
Other names: c.1351G>A, p.Val451Ile (NM_001160036.2); c.1306G>A, p.Val436Ile (NM_001160037.2); c.1285G>A, p.Val429Ile (NM_001374791.1); short protein forms V429I, V436I, V451I.
Identifiers: ClinVar variation 2812156 (VCV002812156.3), dbSNP rs2487013274, ClinGen allele CA370568099.
Genomic context (GRCh38, chr8:23,007,530, plus strand): 5'-TCCCGGCTGATGGTGGTGGTGAAGATGGACAGTTCCATCCAGCCGGGGCCCTTCCGGGCT[G>A]TCCTCAAGTACCTGTACACGGGGGAGCTAGATGAGAACGAGCGTGACCTCATGCACATTG-3'
Protein context (NP_055993.2, residues 419-439): SSIQPGPFRA[Val429Ile]LKYLYTGELD